The following is an entry in ClinVar:

NM_001918.5(DBT):c.1259T>C (p.Ile420Thr)

Gene: DBT (dihydrolipoamide branched chain transacylase E2; minus strand). Cytogenetic location: 1p21.2.
Variant type: single nucleotide variant.
Coding change: c.1259T>C on transcript NM_001918.5 (MANE Select); coding-DNA position 1259, T replaced by C.
Protein change: p.Ile420Thr; replaces isoleucine 420 with threonine.
Molecular consequence: missense variant. On other transcripts: non-coding transcript variant (4).
Genome position (GRCh38, 1-based): chr1:100,206,252, A>G on the plus strand (T>C on the coding strand, the complement: DBT is on the minus strand). VCF-style: chr1-100206252-A-G. GRCh37 (hg19) VCF-style: chr1-100671808-A-G.
Other names: c.716T>C, p.Ile239Thr (NM_001399969.1, NM_001399972.1); short protein forms I239T, I420T.
Identifiers: ClinVar variation 2159649 (VCV002159649.5), dbSNP rs769600540, ClinGen allele CA969522.

ClinVar aggregate classification (germline): Likely pathogenic. Review status: criteria provided, multiple submitters, no conflicts (2 of 4 stars). 2 submissions from 2 submitters: Likely pathogenic (2). Last evaluated 2025-01-27.

Conditions:
Maple syrup urine disease type 2 (MSUD2). Also called: Maple syrup urine disease, type II. Identifiers: MedGen C1855371, MONDO:0023693, OMIM 620699.
Maple syrup urine disease (MSUD). Identifiers: Orphanet 511, MedGen C0024776, MeSH D008375, MONDO:0009563. Disease mechanism: loss of function.

Allele frequency attached by ClinVar (database versions not stated): ExAC 0.00001; gnomAD 0.00003; gnomAD exomes 0.00006.
gnomAD v4.1: 96 of 1,612,718 alleles (0.006%); highest among the groups gnomAD compares: Non-Finnish European, 0.0073%; no homozygotes.

Submissions (2):

Labcorp Genetics (formerly Invitae), Labcorp
Classification: Likely pathogenic for Maple syrup urine disease. Last evaluated: 2025-01-27. Review status: criteria provided, single submitter. Criteria: Invitae Variant Classification Sherloc (09022015). Collection method: clinical testing. Allele origin: germline.
Comment: This sequence change replaces isoleucine, which is neutral and non-polar, with threonine, which is neutral and polar, at codon 420 of the DBT protein (p.Ile420Thr). This variant is present in population databases (rs769600540, gnomAD 0.004%). This missense change has been observed in individual(s) with maple syrup urine disease (internal data). ClinVar contains an entry for this variant (Variation ID: 2159649). Invitae Evidence Modeling of protein sequence and biophysical properties (such as structural, functional, and spatial information, amino acid conservation, physicochemical variation, residue mobility, and thermodynamic stability) indicates that this missense variant is expected to disrupt DBT protein function with a positive predictive value of 95%. In summary, the currently available evidence indicates that the variant is pathogenic, but additional data are needed to prove that conclusively. Therefore, this variant has been classified as Likely Pathogenic.

Fulgent Genetics
Classification: Likely pathogenic for Maple syrup urine disease type 2. Last evaluated: 2024-06-18. Review status: criteria provided, single submitter. Criteria: ACMG Guidelines, 2015. Collection method: clinical testing. Allele origin: germline.